The following is an entry in ClinVar:

NM_001204.7(BMPR2):c.638G>A (p.Arg213Gln)

Gene: BMPR2 (bone morphogenetic protein receptor type 2; plus strand). Cytogenetic location: 2q33.2.
Variant type: single nucleotide variant.
Coding change: c.638G>A on transcript NM_001204.7 (MANE Select); coding-DNA position 638, G replaced by A.
Protein change: p.Arg213Gln; replaces arginine 213 with glutamine.
Molecular consequence: missense variant.
Genome position (GRCh38, 1-based): chr2:202,518,838, G>A. VCF-style: chr2-202518838-G-A. GRCh37 (hg19) VCF-style: chr2-203383561-G-A.
Other names: short protein forms R213Q.
Identifiers: ClinVar variation 2282718 (VCV002282718.3), dbSNP rs763757383, ClinGen allele CA2061180.

ClinVar aggregate classification (germline): Uncertain significance (1 of 4 stars; one submission).

Conditions:
Inborn genetic diseases. Identifiers: MedGen C0950123, MeSH D030342.

Allele frequency attached by ClinVar (database versions not stated): TOPMed 0.00003; ExAC 0.00004; gnomAD exomes 0.00004.
gnomAD v4.1: 55 of 1,614,046 alleles (0.0034%); highest among the groups gnomAD compares: Non-Finnish European, 0.0042%; no homozygotes.

Submission:

Ambry Genetics
Classification: Uncertain significance for Inborn genetic diseases. Last evaluated: 2024-12-01. Review status: criteria provided, single submitter. Criteria: Ambry Variant Classification Scheme 2023. Collection method: clinical testing. Allele origin: germline.
Comment: The p.R213Q variant (also known as c.638G>A), located in coding exon 6 of the BMPR2 gene, results from a G to A substitution at nucleotide position 638. The arginine at codon 213 is replaced by glutamine, an amino acid with highly similar properties. This amino acid position is conserved. In addition, this alteration is predicted to be deleterious by in silico analysis. Based on the available evidence, the clinical significance of this variant remains unclear.